The following is an entry in ClinVar:

NM_002439.5(MSH3):c.2009C>G (p.Thr670Ser)

Gene: MSH3 (mutS homolog 3; plus strand). Cytogenetic location: 5q14.1.
Variant type: single nucleotide variant.
Coding change: c.2009C>G on transcript NM_002439.5 (MANE Select); coding-DNA position 2009, C replaced by G.
Protein change: p.Thr670Ser; replaces threonine 670 with serine.
Molecular consequence: missense variant.
Genome position (GRCh38, 1-based): chr5:80,768,045, C>G. VCF-style: chr5-80768045-C-G. GRCh37 (hg19) VCF-style: chr5-80063864-C-G.
Other names: short protein forms T670S.
Identifiers: ClinVar variation 3398763 (VCV003398763.1).

ClinVar aggregate classification (germline): Uncertain significance (1 of 4 stars; one submission).

Conditions:
Hereditary cancer-predisposing syndrome. Also called: Hereditary Cancer Syndrome; Tumor predisposition; Hereditary neoplastic syndrome; Neoplastic Syndromes, Hereditary. Identifiers: Orphanet 140162, MedGen C0027672, MeSH D009386, MONDO:0015356.

Submission:

Ambry Genetics
Classification: Uncertain significance for Hereditary cancer-predisposing syndrome. Last evaluated: 2024-11-05. Review status: criteria provided, single submitter. Criteria: Ambry Variant Classification Scheme 2023. Collection method: clinical testing. Allele origin: germline.
Comment: The p.T670S variant (also known as c.2009C>G), located in coding exon 14 of the MSH3 gene, results from a C to G substitution at nucleotide position 2009. The threonine at codon 670 is replaced by serine, an amino acid with similar properties. This amino acid position is conserved. In addition, this alteration is predicted to be tolerated by in silico analysis. Based on the available evidence, the clinical significance of this variant remains unclear.